The following is an entry in ClinVar:

NM_024675.4(PALB2):c.256del (p.Thr86fs)

Gene: PALB2 (partner and localizer of BRCA2; minus strand). Cytogenetic location: 16p12.2.
Variant type: Deletion.
Coding change: c.256del on transcript NM_024675.4 (MANE Select); coding-DNA position 256, one base deleted (A; older notation c.256delA).
Protein change: p.Thr86fs; shifts the reading frame from threonine 86.
Molecular consequence: frameshift variant. On other transcripts: 5 prime UTR variant (8), intron variant (3).
Genome position (GRCh38, 1-based): chr16:23,636,290, T deleted on the plus strand (A on the coding strand, the reverse complement: PALB2 is on the minus strand); the first of 4 consecutive T bases (chr16:23,636,290-23,636,293); deleting any one gives the same sequence. VCF-style (leftmost placement, unchanged base first): chr16-23636289-GT-G. GRCh37 (hg19) VCF-style: chr16-23647610-GT-G.
Other names: c.196del, p.Thr66fs (NM_001407296.1); c.256del, p.Thr86fs (NM_001407297.1, NM_001407298.1, NM_001407299.1 and 3 more transcripts); c.-630del (NM_001407304.1, NM_001407305.1, NM_001407306.1 and 5 more transcripts); c.48+4820del (NM_001407314.1); c.-105+4820del (NM_001407313.1, NM_001407312.1); short protein forms T86fs, T66fs.
Identifiers: ClinVar variation 3699736 (VCV003699736.3).

ClinVar aggregate classification (germline): Pathogenic. Review status: criteria provided, multiple submitters, no conflicts (2 of 4 stars). 2 submissions from 2 submitters: Pathogenic (2). Last evaluated 2026-04-30.

Conditions:
Familial cancer of breast. Also called: hereditary breast carcinoma; Hereditary breast cancer; BREAST CANCER, FAMILIAL. Identifiers: Orphanet 227535, MedGen C0346153, MONDO:0016419, OMIM 114480. Disease mechanism: loss of function.

Submissions (2):

Myriad Genetics, Inc.
Classification: Pathogenic for Familial cancer of breast. Last evaluated: 2026-04-30. Review status: criteria provided, single submitter. Criteria: Myriad Autosomal Dominant, Autosomal Recessive and X-Linked Classification Criteria (2023). Collection method: clinical testing. Allele origin: unknown.
Comment: This variant is considered pathogenic. This variant creates a frameshift predicted to result in premature protein truncation.

Labcorp Genetics (formerly Invitae), Labcorp
Classification: Pathogenic for Familial cancer of breast. Last evaluated: 2024-09-12. Review status: criteria provided, single submitter. Criteria: Invitae Variant Classification Sherloc (09022015). Collection method: clinical testing. Allele origin: germline.
Comment: This sequence change creates a premature translational stop signal (p.Thr86Profs*91) in the PALB2 gene. It is expected to result in an absent or disrupted protein product. Loss-of-function variants in PALB2 are known to be pathogenic (PMID: 17200668, 17200671, 17200672, 24136930, 25099575). This variant is not present in population databases (gnomAD no frequency). This variant has not been reported in the literature in individuals affected with PALB2-related conditions. For these reasons, this variant has been classified as Pathogenic.

Literature cited by the submitters: PubMed 17200668 (cited by Labcorp Genetics (formerly Invitae), Labcorp); PubMed 17200671 (cited by Labcorp Genetics (formerly Invitae), Labcorp); PubMed 17200672 (cited by Labcorp Genetics (formerly Invitae), Labcorp); PubMed 24136930 (cited by Labcorp Genetics (formerly Invitae), Labcorp); PubMed 25099575 (cited by Labcorp Genetics (formerly Invitae), Labcorp).